The following is an entry in ClinVar:

NM_001377540.1(SLMAP):c.265T>G (p.Ser89Ala)

Gene: SLMAP (sarcolemma associated protein; plus strand). Cytogenetic location: 3p14.3.
Variant type: single nucleotide variant.
Coding change: c.265T>G on transcript NM_001377540.1 (MANE Select); coding-DNA position 265, T replaced by G.
Protein change: p.Ser89Ala; replaces serine 89 with alanine.
Molecular consequence: missense variant. On other transcripts: non-coding transcript variant (1).
Genome position (GRCh38, 1-based): chr3:57,831,449, T>G. VCF-style: chr3-57831449-T-G. GRCh37 (hg19) VCF-style: chr3-57817176-T-G.
Other names: c.265T>G, p.Ser89Ala (NM_001304420.3, NM_001304421.2, NM_001377538.1 and 17 more transcripts); c.265T>G (NM_007159.2); short protein forms S89A.
Identifiers: ClinVar variation 1061506 (VCV001061506.6), dbSNP rs2153547258, ClinGen allele CA353404211.

ClinVar aggregate classification (germline): Uncertain significance. Review status: criteria provided, multiple submitters, no conflicts (2 of 4 stars). 2 submissions from 2 submitters: Uncertain significance (2). Last evaluated 2025-01-10.

Conditions:
Brugada syndrome. Also called: Sudden unexplained nocturnal death syndrome; Sudden Unexplained Death Syndrome; Sudden Unexplained Nocturnal Death Syndrome (SUNDS); Sudden unexpected nocturnal death syndrome. Identifiers: Orphanet 130, MedGen C1142166, MONDO:0015263.

gnomAD v4.1: 1 of 1,598,482 alleles (0.000063%); highest among the groups gnomAD compares: Non-Finnish European, 0.000085%; no homozygotes.

Submissions (2):

Ambry Genetics
Classification: Uncertain significance. Last evaluated: 2025-01-10. Review status: criteria provided, single submitter. Criteria: Ambry Variant Classification Scheme 2023. Collection method: clinical testing. Allele origin: germline.
Comment: The p.S89A variant (also known as c.265T>G), located in coding exon 2 of the SLMAP gene, results from a T to G substitution at nucleotide position 265. The serine at codon 89 is replaced by alanine, an amino acid with similar properties. This amino acid position is conserved. In addition, this alteration is predicted to be tolerated by in silico analysis. Based on the available evidence, the clinical significance of this variant remains unclear.

Labcorp Genetics (formerly Invitae), Labcorp
Classification: Uncertain significance for Brugada syndrome. Last evaluated: 2024-01-12. Review status: criteria provided, single submitter. Criteria: Invitae Variant Classification Sherloc (09022015). Collection method: clinical testing. Allele origin: germline.
Comment: This sequence change replaces serine, which is neutral and polar, with alanine, which is neutral and non-polar, at codon 89 of the SLMAP protein (p.Ser89Ala). This variant is not present in population databases (gnomAD no frequency). This variant has not been reported in the literature in individuals affected with SLMAP-related conditions. ClinVar contains an entry for this variant (Variation ID: 1061506). An algorithm developed to predict the effect of missense changes on protein structure and function (PolyPhen-2) suggests that this variant is likely to be disruptive. In summary, the available evidence is currently insufficient to determine the role of this variant in disease. Therefore, it has been classified as a Variant of Uncertain Significance.